The following is an entry in ClinVar:

NM_000787.4(DBH):c.1356G>C (p.Lys452Asn)

Gene: DBH (dopamine beta-hydroxylase; plus strand). Cytogenetic location: 9q34.2.
Variant type: single nucleotide variant.
Coding change: c.1356G>C on transcript NM_000787.4 (MANE Select); coding-DNA position 1356, G replaced by C.
Protein change: p.Lys452Asn; replaces lysine 452 with asparagine.
Molecular consequence: missense variant.
Genome position (GRCh38, 1-based): chr9:133,652,266, G>C. VCF-style: chr9-133652266-G-C. GRCh37 (hg19) VCF-style: chr9-136517388-G-C.
Other names: short protein forms K452N.
Identifiers: ClinVar variation 1957732 (VCV001957732.3), dbSNP rs768364693, ClinGen allele CA375419488.

ClinVar aggregate classification (germline): Uncertain significance (1 of 4 stars; one submission).

Conditions:
Orthostatic hypotension 1 (ORTHYP1). Also called: Dopamine beta-hydroxylase deficiency; NORADRENALINE DEFICIENCY; NOREPINEPHRINE DEFICIENCY; Orthostatic hypotension 1, due to DBH deficiency. Identifiers: Orphanet 230, MedGen C4746777, MONDO:0009123, OMIM 223360.

gnomAD v4.1: 8 of 1,613,632 alleles (0.0005%); highest among the groups gnomAD compares: Admixed American, 0.0017%; no homozygotes.

Submission:

Labcorp Genetics (formerly Invitae), Labcorp
Classification: Uncertain significance for Orthostatic hypotension 1. Last evaluated: 2023-12-21. Review status: criteria provided, single submitter. Criteria: Invitae Variant Classification Sherloc (09022015). Collection method: clinical testing. Allele origin: germline.
Comment: This sequence change replaces lysine, which is basic and polar, with asparagine, which is neutral and polar, at codon 452 of the DBH protein (p.Lys452Asn). This variant is present in population databases (no rsID available, gnomAD 0.002%). This variant has not been reported in the literature in individuals affected with DBH-related conditions. ClinVar contains an entry for this variant (Variation ID: 1957732). Advanced modeling of protein sequence and biophysical properties (such as structural, functional, and spatial information, amino acid conservation, physicochemical variation, residue mobility, and thermodynamic stability) performed at Invitae indicates that this missense variant is not expected to disrupt DBH protein function with a negative predictive value of 80%. In summary, the available evidence is currently insufficient to determine the role of this variant in disease. Therefore, it has been classified as a Variant of Uncertain Significance.